The following is an entry in ClinVar:

NM_001277115.2(DNAH11):c.4378-1G>A

Gene: DNAH11 (dynein axonemal heavy chain 11; plus strand). Cytogenetic location: 7p15.3.
Variant type: single nucleotide variant.
Coding change: c.4378-1G>A on transcript NM_001277115.2 (MANE Select); the canonical splice acceptor site of the intron before coding-DNA position 4378, G replaced by A.
Molecular consequence: splice acceptor variant.
Genome position (GRCh38, 1-based): chr7:21,619,955, G>A. VCF-style: chr7-21619955-G-A. GRCh37 (hg19) VCF-style: chr7-21659573-G-A.
Identifiers: ClinVar variation 2001742 (VCV002001742.4), dbSNP rs2534710940, ClinGen allele CA366952758.

ClinVar aggregate classification (germline): Likely pathogenic (1 of 4 stars; one submission).

Conditions:
Primary ciliary dyskinesia. Also called: Ciliary dyskinesia. Identifiers: Orphanet 244, MedGen C0008780, MONDO:0016575, HP:0012265.

Submission:

Labcorp Genetics (formerly Invitae), Labcorp
Classification: Likely pathogenic for Primary ciliary dyskinesia. Last evaluated: 2022-06-07. Review status: criteria provided, single submitter. Criteria: Invitae Variant Classification Sherloc (09022015). Collection method: clinical testing. Allele origin: germline.
Comment: This sequence change affects an acceptor splice site in intron 24 of the DNAH11 gene. It is expected to disrupt RNA splicing. Variants that disrupt the donor or acceptor splice site typically lead to a loss of protein function (PMID: 16199547), and loss-of-function variants in DNAH11 are known to be pathogenic (PMID: 18022865, 20513915, 22184204). This variant is not present in population databases (gnomAD no frequency). This variant has not been reported in the literature in individuals affected with DNAH11-related conditions. Algorithms developed to predict the effect of sequence changes on RNA splicing suggest that this variant may disrupt the consensus splice site. In summary, the currently available evidence indicates that the variant is pathogenic, but additional data are needed to prove that conclusively. Therefore, this variant has been classified as Likely Pathogenic.

Literature cited by the submitters: PubMed 16199547; PubMed 18022865; PubMed 20513915; PubMed 22184204.